The following is an entry in ClinVar:

NM_020461.4(TUBGCP6):c.4211C>T (p.Ala1404Val)

Gene: TUBGCP6 (tubulin gamma complex component 6; minus strand). Cytogenetic location: 22q13.33.
Variant type: single nucleotide variant.
Coding change: c.4211C>T on transcript NM_020461.4 (MANE Select); coding-DNA position 4211, C replaced by T.
Protein change: p.Ala1404Val; replaces alanine 1404 with valine.
Molecular consequence: missense variant.
Genome position (GRCh38, 1-based): chr22:50,219,748, G>A on the plus strand (C>T on the coding strand, the complement: TUBGCP6 is on the minus strand). VCF-style: chr22-50219748-G-A. GRCh37 (hg19) VCF-style: chr22-50658177-G-A.
Other names: c.4211C>T (NM_020461.3); short protein forms A1404V.
Identifiers: ClinVar variation 1045148 (VCV001045148.14), dbSNP rs777436458, ClinGen allele CA10307623.

ClinVar aggregate classification (germline): Uncertain significance. Review status: criteria provided, multiple submitters, no conflicts (2 of 4 stars). 5 submissions from 5 submitters: Uncertain significance (5). Last evaluated 2026-02-02.

Conditions:
Inborn genetic diseases. Identifiers: MedGen C0950123, MeSH D030342.

Allele frequency attached by ClinVar (database versions not stated): TOPMed 0.00003; gnomAD exomes 0.00004 and 0.00002; ExAC 0.00002; gnomAD 0.00002.
gnomAD v4.1: 41 of 1,613,610 alleles (0.0025%); highest among the groups gnomAD compares: Middle Eastern, 0.082%; no homozygotes.

Submissions (5):

Labcorp Genetics (formerly Invitae), Labcorp
Classification: Uncertain significance. Last evaluated: 2026-02-02. Review status: criteria provided, single submitter. Criteria: Invitae Variant Classification Sherloc (09022015). Collection method: clinical testing. Allele origin: germline.
Comment: This sequence change replaces alanine, which is neutral and non-polar, with valine, which is neutral and non-polar, at codon 1404 of the TUBGCP6 protein (p.Ala1404Val). This variant is present in population databases (rs777436458, gnomAD 0.04%). This variant has not been reported in the literature in individuals affected with TUBGCP6-related conditions. ClinVar contains an entry for this variant (Variation ID: 1045148). An algorithm developed to predict the effect of missense changes on protein structure and function (PolyPhen-2) suggests that this variant is likely to be tolerated. In summary, the available evidence is currently insufficient to determine the role of this variant in disease. Therefore, it has been classified as a Variant of Uncertain Significance.

CeGaT Center for Human Genetics Tuebingen
Classification: Uncertain significance. Last evaluated: 2025-11-01. Review status: criteria provided, single submitter. Criteria: CeGaT Center For Human Genetics Tuebingen Variant Classification Criteria Version 2. Collection method: clinical testing. Allele origin: germline. Affected: yes. Observed: 1 variant allele.
Comment: TUBGCP6: PM2, BP4

GeneDx
Classification: Uncertain significance. Last evaluated: 2024-12-17. Review status: criteria provided, single submitter. Criteria: GeneDx Variant Classification Process June 2021. Collection method: clinical testing. Allele origin: germline. Affected: yes.
Comment: In silico analysis indicates that this missense variant does not alter protein structure/function; Has not been previously published as pathogenic or benign to our knowledge

Ambry Genetics
Classification: Uncertain significance for Inborn genetic diseases. Last evaluated: 2024-02-27. Review status: criteria provided, single submitter. Criteria: Ambry Variant Classification Scheme 2023. Collection method: clinical testing. Allele origin: germline.

Breakthrough Genomics
Classification: Uncertain significance. Review status: criteria provided, single submitter. Criteria: ACMG Guidelines, 2015. Collection method: not provided. Allele origin: germline. Inheritance: Autosomal dominant inheritance. Affected: yes.